The following is an entry in ClinVar:

NM_000179.3(MSH6):c.1858G>T (p.Gly620Cys)

Gene: MSH6 (mutS homolog 6; plus strand). Cytogenetic location: 2p16.3.
Variant type: single nucleotide variant.
Coding change: c.1858G>T on transcript NM_000179.3 (MANE Select); coding-DNA position 1858, G replaced by T.
Protein change: p.Gly620Cys; replaces glycine 620 with cysteine.
Molecular consequence: missense variant.
Genome position (GRCh38, 1-based): chr2:47,799,841, G>T. VCF-style: chr2-47799841-G-T. GRCh37 (hg19) VCF-style: chr2-48026980-G-T.
Other names: c.1468G>T, p.Gly490Cys (NM_001281492.2); c.952G>T, p.Gly318Cys (NM_001281493.2, NM_001281494.2); short protein forms G620C, G318C, G490C.
Identifiers: ClinVar variation 491885 (VCV000491885.11), dbSNP rs876661043, ClinGen allele CA346749808.
Genomic context (GRCh38, chr2:47,799,841, plus strand): 5'-AATCTCTCAAAGGAAACTAAAACAATTCTAAAGAGTTCATTGTCCTGTTCTCTTCAGGAA[G>T]GTCTGATACCCGGCTCCCAGTTTTGGGATGCATCCAAAACTTTGAGAACTCTCCTTGAGG-3'
Protein context (NP_000170.1, residues 610-630): KSSLSCSLQE[Gly620Cys]LIPGSQFWDA

ClinVar aggregate classification (germline): Uncertain significance. Review status: criteria provided, multiple submitters, no conflicts (2 of 4 stars). 5 submissions from 5 submitters: Uncertain significance (5). Last evaluated 2025-05-11.

Conditions:
Hereditary cancer-predisposing syndrome. Also called: Hereditary neoplastic syndrome; Tumor predisposition; Hereditary Cancer Syndrome; Neoplastic Syndromes, Hereditary. Identifiers: Orphanet 140162, MedGen C0027672, MeSH D009386, MONDO:0015356.
Endometrial carcinoma. Also called: Endometrial carcinoma, somatic. Identifiers: MedGen C0476089, MONDO:0002447, OMIM 608089, HP:0012114.
Hereditary nonpolyposis colorectal neoplasms. Identifiers: MedGen C0009405, MeSH D003123.

Submissions (5):

Labcorp Genetics (formerly Invitae), Labcorp
Classification: Uncertain significance for Hereditary nonpolyposis colorectal neoplasms. Last evaluated: 2025-05-11. Review status: criteria provided, single submitter. Criteria: Invitae Variant Classification Sherloc (09022015). Collection method: clinical testing. Allele origin: germline.
Comment: This sequence change replaces glycine, which is neutral and non-polar, with cysteine, which is neutral and slightly polar, at codon 620 of the MSH6 protein (p.Gly620Cys). This variant is not present in population databases (gnomAD no frequency). This variant has not been reported in the literature in individuals affected with MSH6-related conditions. ClinVar contains an entry for this variant (Variation ID: 491885). Invitae Evidence Modeling of protein sequence and biophysical properties (such as structural, functional, and spatial information, amino acid conservation, physicochemical variation, residue mobility, and thermodynamic stability) indicates that this missense variant is not expected to disrupt MSH6 protein function with a negative predictive value of 95%. In summary, the available evidence is currently insufficient to determine the role of this variant in disease. Therefore, it has been classified as a Variant of Uncertain Significance.

Baylor Genetics
Classification: Uncertain significance for Endometrial carcinoma. Last evaluated: 2023-06-18. Review status: criteria provided, single submitter. Criteria: ACMG Guidelines, 2015. Collection method: clinical testing. Allele origin: unknown.

GeneDx
Classification: Uncertain significance. Last evaluated: 2022-02-17. Review status: criteria provided, single submitter. Criteria: GeneDx Variant Classification Process June 2021. Collection method: clinical testing. Allele origin: germline. Affected: yes.
Comment: Not observed at significant frequency in large population cohorts (gnomAD); In silico analysis supports that this missense variant does not alter protein structure/function; Has not been previously published as pathogenic or benign to our knowledge; This variant is associated with the following publications: (PMID: 17531815, 21120944)

Ambry Genetics
Classification: Uncertain significance for Hereditary cancer-predisposing syndrome. Last evaluated: 2021-08-23. Review status: criteria provided, single submitter. Criteria: Ambry Variant Classification Scheme 2023. Collection method: clinical testing. Allele origin: germline.
Comment: The p.G620C variant (also known as c.1858G>T), located in coding exon 4 of the MSH6 gene, results from a G to T substitution at nucleotide position 1858. The glycine at codon 620 is replaced by cysteine, an amino acid with highly dissimilar properties. This amino acid position is not well conserved in available vertebrate species. In addition, the in silico prediction for this alteration is inconclusive. Since supporting evidence is limited at this time, the clinical significance of this alteration remains unclear.

Color Diagnostics, LLC DBA Color Health
Classification: Uncertain significance for Hereditary cancer-predisposing syndrome. Last evaluated: 2018-07-22. Review status: criteria provided, single submitter. Criteria: ACMG Guidelines, 2015. Collection method: clinical testing. Allele origin: germline.